The following is an entry in ClinVar:

NM_018263.6(ASXL2):c.3849T>C (p.Arg1283=)

Gene: ASXL2 (ASXL transcriptional regulator 2; minus strand). Cytogenetic location: 2p23.3.
Variant type: single nucleotide variant.
Coding change: c.3849T>C on transcript NM_018263.6 (MANE Select); coding-DNA position 3849, T replaced by C.
Protein change: p.Arg1283=; no amino-acid change (arginine 1283 retained).
Molecular consequence: synonymous variant.
Genome position (GRCh38, 1-based): chr2:25,742,488, A>G on the plus strand (T>C on the coding strand, the complement: ASXL2 is on the minus strand). VCF-style: chr2-25742488-A-G. GRCh37 (hg19) VCF-style: chr2-25965357-A-G.
Other names: c.3675T>C, p.Arg1225= (NM_001369346.1); c.3069T>C, p.Arg1023= (NM_001369347.1).
Identifiers: ClinVar variation 4989902 (VCV004989902.1).

ClinVar aggregate classification (germline): Likely benign (1 of 4 stars; one submission).

Conditions:
ASXL2-related disorder. Also called: ASXL2-related condition.

gnomAD v4.1: 27 of 1,613,876 alleles (0.0017%); highest among the groups gnomAD compares: Middle Eastern, 0.26%; no homozygotes.

Submission:

PreventionGenetics, part of Exact Sciences
Classification: Likely benign for ASXL2-related condition. Last evaluated: 2025-03-10. Review status: criteria provided, single submitter. Criteria: ACMG Guidelines, 2015. Collection method: clinical testing. Allele origin: germline.
Comment: This variant is classified as likely benign based on ACMG/AMP sequence variant interpretation guidelines (Richards et al. 2015 PMID: 25741868, with internal and published modifications).